The following is an entry in ClinVar:

ClinVar aggregate classification (germline): Likely pathogenic (1 of 4 stars; one submission).

Conditions:
Intellectual developmental disorder, autosomal dominant 72 (MRD72). Identifiers: Orphanet 652487, MedGen C5830612, MONDO:0957397, OMIM 620439.

gnomAD v4.1: 1 of 1,614,074 alleles (0.000062%); highest among the groups gnomAD compares: East Asian, 0.0022%; no homozygotes.

Submission:

3billion
Classification: Likely pathogenic for Intellectual developmental disorder, autosomal dominant 72. Last evaluated: 2023-07-21. Review status: criteria provided, single submitter. Criteria: ACMG Guidelines, 2015. Collection method: clinical testing. Allele origin: germline. Affected: yes.
Comment: The variant is observed at an extremely low frequency in the gnomAD v2.1.1 dataset (total allele frequency: 0.003%). Predicted Consequence/Location: Stop-gained (nonsense): predicted to result in a loss or disruption of normal protein function through nonsense-mediated decay (NMD) or protein truncation. Multiple pathogenic variants are reported downstream of the variant. Therefore, this variant is classified as Likely pathogenic according to the recommendation of ACMG/AMP guideline.

NM_016333.4(SRRM2):c.5059C>T (p.Arg1687Ter)

Gene: SRRM2 (serine/arginine repetitive matrix 2; plus strand). Cytogenetic location: 16p13.3.
Variant type: single nucleotide variant.
Coding change: c.5059C>T on transcript NM_016333.4 (MANE Select); coding-DNA position 5059, C replaced by T.
Protein change: p.Arg1687Ter; replaces arginine 1687 with a stop codon.
Molecular consequence: nonsense.
Genome position (GRCh38, 1-based): chr16:2,765,587, C>T. VCF-style: chr16-2765587-C-T. GRCh37 (hg19) VCF-style: chr16-2815588-C-T.
Other names: short protein forms R1687*.
Identifiers: ClinVar variation 3775306 (VCV003775306.1).